The following is an entry in ClinVar:

NM_001145860.2(POP1):c.725G>A (p.Cys242Tyr)

Gene: POP1 (POP1 homolog, ribonuclease P/MRP subunit; plus strand). Cytogenetic location: 8q22.2.
Variant type: single nucleotide variant.
Coding change: c.725G>A on transcript NM_001145860.2 (MANE Select); coding-DNA position 725, G replaced by A.
Protein change: p.Cys242Tyr; replaces cysteine 242 with tyrosine.
Molecular consequence: missense variant.
Genome position (GRCh38, 1-based): chr8:98,130,216, G>A. VCF-style: chr8-98130216-G-A. GRCh37 (hg19) VCF-style: chr8-99142444-G-A.
Other names: c.725G>A, p.Cys242Tyr (NM_001145861.2, NM_015029.3); short protein forms C242Y.
Identifiers: ClinVar variation 1407034 (VCV001407034.5), dbSNP rs373854633, ClinGen allele CA4820386.

ClinVar aggregate classification (germline): Uncertain significance (1 of 4 stars; one submission).

Allele frequency attached by ClinVar (database versions not stated): ExAC 0.00001; TOPMed 0.00002; gnomAD exomes 0.00003 and 0.00004; ESP Exome Variant Server 0.00008.
gnomAD v4.1: 65 of 1,614,140 alleles (0.004%); highest among the groups gnomAD compares: Middle Eastern, 0.016%; no homozygotes.

Submission:

Labcorp Genetics (formerly Invitae), Labcorp
Classification: Uncertain significance. Last evaluated: 2022-08-23. Review status: criteria provided, single submitter. Criteria: Invitae Variant Classification Sherloc (09022015). Collection method: clinical testing. Allele origin: germline.
Comment: This sequence change replaces cysteine, which is neutral and slightly polar, with tyrosine, which is neutral and polar, at codon 242 of the POP1 protein (p.Cys242Tyr). This variant is present in population databases (rs373854633, gnomAD 0.007%). This variant has not been reported in the literature in individuals affected with POP1-related conditions. ClinVar contains an entry for this variant (Variation ID: 1407034). Algorithms developed to predict the effect of missense changes on protein structure and function are either unavailable or do not agree on the potential impact of this missense change (SIFT: "Deleterious"; PolyPhen-2: "Probably Damaging"; Align-GVGD: "Class C0"). In summary, the available evidence is currently insufficient to determine the role of this variant in disease. Therefore, it has been classified as a Variant of Uncertain Significance.